The following is an entry in ClinVar:

ClinVar aggregate classification (germline): Uncertain significance (1 of 4 stars; one submission).

Conditions:
Landau-Kleffner syndrome (FESD). Also called: EPILEPSY, FOCAL, WITH SPEECH DISORDER AND WITH OR WITHOUT MENTAL RETARDATION; APHASIA, ACQUIRED, WITH EPILEPSY. Identifiers: Orphanet 1945, Orphanet 725, Orphanet 98818, MedGen C0282512, MONDO:0009509, OMIM 245570.

gnomAD v4.1: 4 of 1,614,210 alleles (0.00025%); highest among the groups gnomAD compares: Admixed American, 0.0017%; no homozygotes.

Submission:

Labcorp Genetics (formerly Invitae), Labcorp
Classification: Uncertain significance for Landau-Kleffner syndrome. Last evaluated: 2025-08-18. Review status: criteria provided, single submitter. Criteria: Invitae Variant Classification Sherloc (09022015). Collection method: clinical testing. Allele origin: germline.
Comment: This sequence change replaces glycine, which is neutral and non-polar, with serine, which is neutral and polar, at codon 97 of the GRIN2A protein (p.Gly97Ser). This variant is not present in population databases (gnomAD no frequency). This variant has not been reported in the literature in individuals affected with GRIN2A-related conditions. ClinVar contains an entry for this variant (Variation ID: 3668429). Invitae Evidence Modeling of protein sequence and biophysical properties (such as structural, functional, and spatial information, amino acid conservation, physicochemical variation, residue mobility, and thermodynamic stability) has been performed for this missense variant. However, the output from this modeling did not meet the statistical confidence thresholds required to predict the impact of this variant on GRIN2A protein function. In summary, the available evidence is currently insufficient to determine the role of this variant in disease. Therefore, it has been classified as a Variant of Uncertain Significance.

NM_001134407.3(GRIN2A):c.289G>A (p.Gly97Ser)

Gene: GRIN2A (glutamate ionotropic receptor NMDA type subunit 2A; minus strand). Cytogenetic location: 16p13.2.
Variant type: single nucleotide variant.
Coding change: c.289G>A on transcript NM_001134407.3 (MANE Select); coding-DNA position 289, G replaced by A.
Protein change: p.Gly97Ser; replaces glycine 97 with serine.
Molecular consequence: missense variant.
Genome position (GRCh38, 1-based): chr16:10,180,123, C>T on the plus strand (G>A on the coding strand, the complement: GRIN2A is on the minus strand). VCF-style: chr16-10180123-C-T. GRCh37 (hg19) VCF-style: chr16-10273980-C-T.
Other names: c.289G>A, p.Gly97Ser (NM_000833.5, NM_001134408.2); short protein forms G97S.
Identifiers: ClinVar variation 3668429 (VCV003668429.2).